The following is an entry in ClinVar:

ClinVar aggregate classification (germline): Uncertain significance (1 of 4 stars; one submission).

Conditions:
Familial thoracic aortic aneurysm and aortic dissection (TAAD). Also called: Thoracic aortic aneurysms and dissections. Identifiers: Orphanet 91387, MedGen C4707243, MONDO:0019625.

Submission:

Ambry Genetics
Classification: Uncertain significance for Familial thoracic aortic aneurysm and aortic dissection. Last evaluated: 2026-09-07. Review status: criteria provided, single submitter. Criteria: Ambry Variant Classification Scheme 2023. Collection method: clinical testing. Allele origin: germline.
Comment: The p.D537N variant (also known as c.1609G>A), located in coding exon 12 of the FBN2 gene, results from a G to A substitution at nucleotide position 1609. The aspartic acid at codon 537 is replaced by asparagine, an amino acid with highly similar properties. This amino acid position is conserved. In addition, the in silico prediction for this alteration is inconclusive. Based on the available evidence, the clinical significance of this variant remains unclear.

NM_001999.4(FBN2):c.1609G>A (p.Asp537Asn)

Gene: FBN2 (fibrillin 2; minus strand). Cytogenetic location: 5q23.3.
Variant type: single nucleotide variant.
Coding change: c.1609G>A on transcript NM_001999.4 (MANE Select); coding-DNA position 1609, G replaced by A.
Protein change: p.Asp537Asn; replaces aspartic acid 537 with asparagine.
Molecular consequence: missense variant.
Genome position (GRCh38, 1-based): chr5:128,378,885, C>T on the plus strand (G>A on the coding strand, the complement: FBN2 is on the minus strand). VCF-style: chr5-128378885-C-T. GRCh37 (hg19) VCF-style: chr5-127714578-C-T.
Other names: short protein forms D537N.
Identifiers: ClinVar variation 5021646 (VCV005021646.1).
Genomic context (GRCh38, chr5:128,378,885, plus strand): 5'-AATAGGAACCAGGTGTGTTAACACAATCTCCATTAGTGCAGGGATTTGATGTGCATTCAT[C>T]AACATCTGTGAGCAGCAAAAGAAACCATTATAGACTTCACTCCATTTGTAGAAATGTTTG-3'
Protein context (NP_001990.2, residues 527-547): QDANGDCIDV[Asp537Asn]ECTSNPCTNG